The following is an entry in ClinVar:

NC_000001.11:g.(?_154191166)_(154192038_?)del

Gene: TPM3 (tropomyosin 3; minus strand). Cytogenetic location: 1q21.3.
Variant type: Deletion.
Identifiers: ClinVar variation 583697 (VCV000583697.2).

ClinVar aggregate classification (germline): Uncertain significance (1 of 4 stars; one submission).

Conditions:
Congenital myopathy 4B, autosomal recessive. Also called: Nemaline myopathy 1, autosomal dominant or recessive. Identifiers: Orphanet 171433, Orphanet 171439, Orphanet 171881, MedGen C5829889, MONDO:0012239, OMIM 609284.
Congenital myopathy with fiber type disproportion. Also called: Congenital fiber-type disproportion; Congenital fiber-type disproportion myopathy. Identifiers: Orphanet 2020, MedGen C0546264, MONDO:0009711. Inheritance: all.

Submission:

Labcorp Genetics (formerly Invitae), Labcorp
Classification: Uncertain significance for Congenital myopathy with fiber type disproportion; Nemaline myopathy 1. Last evaluated: 2018-02-22. Review status: criteria provided, single submitter. Criteria: Invitae Variant Classification Sherloc (09022015). Collection method: clinical testing. Allele origin: germline.
Comment: This variant is a gross deletion of the genomic region encompassing exons 1-2 of the TPM3 gene, which includes the initiator codon. The 5' end of this event is unknown as it extends beyond the assayed region for this gene and therefore may encompass additional genes. The 3' boundary is likely confined to intron 2 of the TPM3 gene. A similar deletion of exons 1-2 has been reported in the homozygous state in an individual affected with nemaline myopathy (PMID: 27858751). The current clinical and genetic evidence is not sufficient to establish whether loss-of-function variants in TPM3 cause disease. In summary, the available evidence is currently insufficient to determine the role of this variant in disease. Therefore, it has been classified as a Variant of Uncertain Significance.

Literature cited by the submitters: PubMed 27858751.